The following is an entry in ClinVar:

ClinVar aggregate classification (germline): Uncertain significance. Review status: criteria provided, multiple submitters, no conflicts (2 of 4 stars). 2 submissions from 2 submitters: Uncertain significance (2). Last evaluated 2024-03-10.

Conditions:
Rubinstein-Taybi syndrome due to EP300 haploinsufficiency. Also called: RUBINSTEIN-TAYBI SYNDROME 2; EP300-Related Rubinstein-Taybi Syndrome. Identifiers: Orphanet 353284, Orphanet 783, MedGen C3150941, MONDO:0013364, OMIM 613684.

Submissions (2):

GeneDx
Classification: Uncertain significance. Last evaluated: 2024-03-10. Review status: criteria provided, single submitter. Criteria: GeneDx Variant Classification Process June 2021. Collection method: clinical testing. Allele origin: germline. Affected: yes.
Comment: Not observed at significant frequency in large population cohorts (gnomAD); In silico analysis supports that this missense variant has a deleterious effect on protein structure/function; Has not been previously published as pathogenic or benign to our knowledge

Labcorp Genetics (formerly Invitae), Labcorp
Classification: Uncertain significance for Rubinstein-Taybi syndrome due to EP300 haploinsufficiency. Last evaluated: 2022-07-19. Review status: criteria provided, single submitter. Criteria: Invitae Variant Classification Sherloc (09022015). Collection method: clinical testing. Allele origin: germline.
Comment: In summary, the available evidence is currently insufficient to determine the role of this variant in disease. Therefore, it has been classified as a Variant of Uncertain Significance. Advanced modeling of protein sequence and biophysical properties (such as structural, functional, and spatial information, amino acid conservation, physicochemical variation, residue mobility, and thermodynamic stability) performed at Invitae indicates that this missense variant is expected to disrupt EP300 protein function. ClinVar contains an entry for this variant (Variation ID: 1492820). This variant has not been reported in the literature in individuals affected with EP300-related conditions. This variant is not present in population databases (gnomAD no frequency). This sequence change replaces proline, which is neutral and non-polar, with serine, which is neutral and polar, at codon 10 of the EP300 protein (p.Pro10Ser).

NM_001429.4(EP300):c.28C>T (p.Pro10Ser)

Gene: EP300 (EP300 lysine acetyltransferase; plus strand). Cytogenetic location: 22q13.2.
Variant type: single nucleotide variant.
Coding change: c.28C>T on transcript NM_001429.4 (MANE Select); coding-DNA position 28, C replaced by T.
Protein change: p.Pro10Ser; replaces proline 10 with serine.
Molecular consequence: missense variant.
Genome position (GRCh38, 1-based): chr22:41,093,032, C>T. VCF-style: chr22-41093032-C-T. GRCh37 (hg19) VCF-style: chr22-41489036-C-T.
Other names: c.28C>T (NM_001429.3); c.28C>T, p.Pro10Ser (NM_001362843.2); short protein forms P10S.
Identifiers: ClinVar variation 1492820 (VCV001492820.7), dbSNP rs2145665490, ClinGen allele CA411679417.